The following is an entry in ClinVar:

ClinVar aggregate classification (germline): Pathogenic (1 of 4 stars; one submission).

Conditions:
Duchenne muscular dystrophy (DMD). Also called: MUSCULAR DYSTROPHY, PSEUDOHYPERTROPHIC PROGRESSIVE, DUCHENNE TYPE; Duchenne Muscular Dystrophy (DMD). Identifiers: Orphanet 98896, MedGen C0013264, MONDO:0010679, OMIM 310200.

Submission:

Labcorp Genetics (formerly Invitae), Labcorp
Classification: Pathogenic for Duchenne muscular dystrophy. Last evaluated: 2016-11-02. Review status: criteria provided, single submitter. Criteria: Invitae Variant Classification Sherloc (09022015). Collection method: clinical testing. Allele origin: germline.
Comment: This variant is a gross deletion of the genomic region encompassing exons 49-54 of the DMD gene. This creates a premature translational stop signal and is expected to result in an absent or disrupted protein product. Loss-of-function variants in DMD are known to be pathogenic. This particular variant has been reported in the literature in individuals affected with DMD-related muscular dystrophy (PMID: 16030524, 25482253). For these reasons, this variant has been classified as Pathogenic.

NC_000023.11:g.(?_31657990)_(31836819_?)del

Gene: DMD (dystrophin; minus strand). Cytogenetic location: Xp21.1.
Variant type: Deletion.
Identifiers: ClinVar variation 417508 (VCV000417508.1).